The following is an entry in ClinVar:

NM_000466.3(PEX1):c.1840A>T (p.Lys614Ter)

Gene: PEX1 (peroxisomal biogenesis factor 1; minus strand). Cytogenetic location: 7q21.2.
Variant type: single nucleotide variant.
Coding change: c.1840A>T on transcript NM_000466.3 (MANE Select); coding-DNA position 1840, A replaced by T.
Protein change: p.Lys614Ter; replaces lysine 614 with a stop codon.
Molecular consequence: nonsense.
Genome position (GRCh38, 1-based): chr7:92,506,308, T>A on the plus strand (A>T on the coding strand, the complement: PEX1 is on the minus strand). VCF-style: chr7-92506308-T-A. GRCh37 (hg19) VCF-style: chr7-92135622-T-A.
Other names: c.1840A>T, p.Lys614Ter (NM_001282677.2); c.1216A>T, p.Lys406Ter (NM_001282678.2); short protein forms K406*, K614*.
Identifiers: ClinVar variation 1725090 (VCV001725090.3), dbSNP rs2484673578, ClinGen allele CA368185103.

ClinVar aggregate classification (germline): Likely pathogenic (1 of 4 stars; one submission).

Conditions:
Peroxisome biogenesis disorder. Identifiers: Orphanet 79189, MedGen C1832200, MONDO:0019234. Disease mechanism: loss of function.

Submission:

Myriad Genetics, Inc.
Classification: Likely pathogenic for Peroxisome biogenesis disorder. Last evaluated: 2022-03-08. Review status: criteria provided, single submitter. Criteria: Myriad Autosomal Dominant, Autosomal Recessive and X-Linked Classification Criteria (2023). Collection method: clinical testing. Allele origin: unknown.
Comment: NM_000466.2(PEX1):c.1840A>T(K614*) is expected to be pathogenic in the context of peroxisome biogenesis disorder type 1. This variant is predicted to lead to an abnormal or absent protein product due to the creation of a premature termination codon in PEX1, a gene where loss-of-function variants are known to be pathogenic. Please note: this variant was assessed in the context of healthy population screening.